The following is an entry in ClinVar:

ClinVar aggregate classification (germline): Benign/Likely benign. Review status: criteria provided, multiple submitters, no conflicts (2 of 4 stars). 3 submissions from 3 submitters: Benign (1); Likely benign (2). Last evaluated 2025-04-04.

Conditions:
Hereditary cancer-predisposing syndrome. Also called: Hereditary Cancer Syndrome; Hereditary neoplastic syndrome; Neoplastic Syndromes, Hereditary; Tumor predisposition. Identifiers: Orphanet 140162, MedGen C0027672, MeSH D009386, MONDO:0015356.
Familial cancer of breast. Also called: BREAST CANCER, FAMILIAL; Hereditary breast cancer; hereditary breast carcinoma. Identifiers: Orphanet 227535, MedGen C0346153, MONDO:0016419, OMIM 114480. Disease mechanism: loss of function.
Ataxia-telangiectasia syndrome (AT). Also called: Ataxia-telangiectasia; Cerebello-oculocutaneous telangiectasia; Immunodeficiency with ataxia telangiectasia; Ataxia-telangiectasia, complementation group D; AT, COMPLEMENTATION GROUP C; Ataxia telangiectasia (A-T). Identifiers: Orphanet 100, MedGen C0004135, MONDO:0008840, OMIM 208900.

Submissions (3):

Ambry Genetics
Classification: Likely benign for Hereditary cancer-predisposing syndrome. Last evaluated: 2025-04-04. Review status: criteria provided, single submitter. Criteria: Ambry Variant Classification Scheme 2023. Collection method: clinical testing. Allele origin: germline.

Myriad Genetics, Inc.
Classification: Benign for Familial cancer of breast. Last evaluated: 2024-05-10. Review status: criteria provided, single submitter. Criteria: Myriad Autosomal Dominant, Autosomal Recessive and X-Linked Classification Criteria (2023). Collection method: clinical testing. Allele origin: unknown.
Comment: This variant is considered benign. This variant is a silent/synonymous amino acid change and it is not expected to impact splicing.

Labcorp Genetics (formerly Invitae), Labcorp
Classification: Likely benign for Ataxia-telangiectasia syndrome. Last evaluated: 2019-07-14. Review status: criteria provided, single submitter. Criteria: Invitae Variant Classification Sherloc (09022015). Collection method: clinical testing. Allele origin: germline.

NM_000051.4(ATM):c.2664A>G (p.Glu888=)

Gene: ATM (ATM serine/threonine kinase; plus strand). Cytogenetic location: 11q22.3.
Variant type: single nucleotide variant.
Coding change: c.2664A>G on transcript NM_000051.4 (MANE Select); coding-DNA position 2664, A replaced by G.
Protein change: p.Glu888=; no amino-acid change (glutamic acid 888 retained).
Molecular consequence: synonymous variant.
Genome position (GRCh38, 1-based): chr11:108,268,435, A>G. VCF-style: chr11-108268435-A-G. GRCh37 (hg19) VCF-style: chr11-108139162-A-G.
Other names: c.2664A>G (NM_000051.3); c.2664A>G, p.Glu888= (NM_001351834.2).
Identifiers: ClinVar variation 1153324 (VCV001153324.11), dbSNP rs2135523410, ClinGen allele CA476673767.